The following is an entry in ClinVar:

ClinVar aggregate classification (germline): Likely pathogenic (1 of 4 stars; one submission).

Submission:

Labcorp Genetics (formerly Invitae), Labcorp
Classification: Likely pathogenic. Last evaluated: 2023-01-27. Review status: criteria provided, single submitter. Criteria: Invitae Variant Classification Sherloc (09022015). Collection method: clinical testing. Allele origin: unknown.
Comment: In summary, the currently available evidence indicates that the variant is pathogenic, but additional data are needed to prove that conclusively. Therefore, this variant has been classified as Likely Pathogenic. This variant has not been reported in the literature in individuals affected with ABCC8-related conditions. This variant results in the deletion of part of exon 1 (c.116_149-333delinsCCTGAGTAGCTGA) of the ABCC8 gene. It is expected to disrupt RNA splicing. Variants that disrupt the donor or acceptor splice site typically lead to a loss of protein function (PMID: 16199547), and loss-of-function variants in ABCC8 are known to be pathogenic (PMID: 20685672, 23345197).

Literature cited by the submitters: PubMed 16199547; PubMed 20685672; PubMed 23345197.

NC_000011.9:g.(?_17496907)_(17498208_?)del

Gene: ABCC8 (ATP binding cassette subfamily C member 8; minus strand). Cytogenetic location: 11p15.1.
Variant type: Deletion.
Identifiers: ClinVar variation 3244727 (VCV003244727.1).